The following is an entry in ClinVar:

NM_018292.5(QRSL1):c.498del (p.Leu166_Ile167insTer)

Gene: QRSL1 (glutaminyl-tRNA amidotransferase subunit QRSL1; plus strand). Cytogenetic location: 6q21.
Variant type: Deletion.
Coding change: c.498del on transcript NM_018292.5 (MANE Select); coding-DNA position 498, one base deleted (G; older notation c.498delG).
Protein change: p.Leu166_Ile167insTer.
Molecular consequence: frameshift variant.
Genome position (GRCh38, 1-based): chr6:106,649,142, G deleted. VCF-style (leftmost placement, unchanged base first): chr6-106649141-TG-T. GRCh37 (hg19) VCF-style: chr6-107097016-TG-T.
Identifiers: ClinVar variation 3653261 (VCV003653261.2).
Genomic context (GRCh38, chr6:106,649,141, plus strand): 5'-AACAATATAGAGAAAAGAGGAAGCAGAATCCCCACAGCGAGAATGAAGATTCAGACTGGC[TG>T]ATAACTGGAGGAAGCTCAGGTGGGAGTGCAGCTGCTGTATCGGCGTTCACATGCTACGCG-3'

ClinVar aggregate classification (germline): Pathogenic (1 of 4 stars; one submission).

Submission:

Labcorp Genetics (formerly Invitae), Labcorp
Classification: Pathogenic. Last evaluated: 2024-05-19. Review status: criteria provided, single submitter. Criteria: Invitae Variant Classification Sherloc (09022015). Collection method: clinical testing. Allele origin: germline.
Comment: This sequence change creates a premature translational stop signal (p.Ile167*) in the QRSL1 gene. It is expected to result in an absent or disrupted protein product. Loss-of-function variants in QRSL1 are known to be pathogenic (PMID: 26741492, 29440775). This variant is not present in population databases (gnomAD no frequency). This variant has not been reported in the literature in individuals affected with QRSL1-related conditions. For these reasons, this variant has been classified as Pathogenic.

Literature cited by the submitters: PubMed 26741492; PubMed 29440775.